The following is an entry in ClinVar:

NM_000382.3(ALDH3A2):c.515_518del (p.Glu172fs)

Gene: ALDH3A2 (aldehyde dehydrogenase 3 family member A2; plus strand). Cytogenetic location: 17p11.2.
Variant type: Deletion.
Coding change: c.515_518del on transcript NM_000382.3 (MANE Select); coding-DNA positions 515 to 518, 4 bases deleted (AGCT; older notation c.515_518delAGCT).
Protein change: p.Glu172fs; shifts the reading frame from glutamic acid 172.
Molecular consequence: frameshift variant. On other transcripts: 5 prime UTR variant (1).
Genome position (GRCh38, 1-based): chr17:19,656,409-19,656,412, AGCT deleted. VCF-style (leftmost placement, unchanged base first): chr17-19656408-GAGCT-G. GRCh37 (hg19) VCF-style: chr17-19559721-GAGCT-G.
Other names: c.515_518del, p.Glu172fs (NM_001031806.2, NM_001369136.1, NM_001369137.2 and 3 more transcripts); c.-65_-62del (NM_001369148.2); short protein forms E172fs.
Identifiers: ClinVar variation 5013307 (VCV005013307.1).

ClinVar aggregate classification (germline): Pathogenic (1 of 4 stars; one submission).

Conditions:
Sjögren-Larsson syndrome (SLS). Also called: FALDH DEFICIENCY; FATTY ALCOHOL:NAD+ OXIDOREDUCTASE DEFICIENCY; FATTY ALDEHYDE DEHYDROGENASE DEFICIENCY; ICHTHYOSIS, SPASTIC NEUROLOGIC DISORDER, AND OLIGOPHRENIA. Identifiers: Orphanet 816, MedGen C0037231, MONDO:0010031, OMIM 270200.

Submission:

Myriad Genetics, Inc.
Classification: Pathogenic for Sjögren-Larsson syndrome. Last evaluated: 2024-07-11. Review status: criteria provided, single submitter. Criteria: Myriad Autosomal Dominant, Autosomal Recessive and X-Linked Classification Criteria (2023). Collection method: clinical testing. Allele origin: unknown.
Comment: NM_000382.2(ALDH3A2):c.515_518delAGCT(E172Afs*2) is expected to be pathogenic in the context of Sjogren-Larsson syndrome. This variant is predicted to lead to an abnormal or absent protein product due to the creation of a premature termination codon in ALDH3A2, a gene where loss-of-function variants are known to be pathogenic. Please note: this variant was assessed in the context of healthy population screening.